The following is an entry in ClinVar:

ClinVar aggregate classification (germline): Uncertain significance (1 of 4 stars; one submission).

Allele frequency attached by ClinVar (database versions not stated): gnomAD exomes below 0.00001; ExAC 0.00001.
gnomAD v4.1: 2 of 1,614,136 alleles (0.00012%); highest among the groups gnomAD compares: Admixed American, 0.0033%; no homozygotes.

Submission:

Labcorp Genetics (formerly Invitae), Labcorp
Classification: Uncertain significance. Last evaluated: 2023-03-08. Review status: criteria provided, single submitter. Criteria: Invitae Variant Classification Sherloc (09022015). Collection method: clinical testing. Allele origin: germline.
Comment: In summary, the available evidence is currently insufficient to determine the role of this variant in disease. Therefore, it has been classified as a Variant of Uncertain Significance. Advanced modeling of protein sequence and biophysical properties (such as structural, functional, and spatial information, amino acid conservation, physicochemical variation, residue mobility, and thermodynamic stability) has been performed at Invitae for this missense variant, however the output from this modeling did not meet the statistical confidence thresholds required to predict the impact of this variant on VPS13D protein function. This variant has not been reported in the literature in individuals affected with VPS13D-related conditions. This variant is present in population databases (rs760950808, gnomAD 0.003%). This sequence change replaces lysine, which is basic and polar, with threonine, which is neutral and polar, at codon 3366 of the VPS13D protein (p.Lys3366Thr).

NM_015378.4(VPS13D):c.10097A>C (p.Lys3366Thr)

Gene: VPS13D (vacuolar protein sorting 13 homolog D; plus strand). Cytogenetic location: 1p36.22.
Variant type: single nucleotide variant.
Coding change: c.10097A>C on transcript NM_015378.4 (MANE Select); coding-DNA position 10097, A replaced by C.
Protein change: p.Lys3366Thr; replaces lysine 3366 with threonine.
Molecular consequence: missense variant.
Genome position (GRCh38, 1-based): chr1:12,358,557, A>C. VCF-style: chr1-12358557-A-C. GRCh37 (hg19) VCF-style: chr1-12418613-A-C.
Other names: c.10022A>C, p.Lys3341Thr (NM_018156.4); short protein forms K3341T, K3366T.
Identifiers: ClinVar variation 2785129 (VCV002785129.3), dbSNP rs760950808, ClinGen allele CA603581.
Genomic context (GRCh38, chr1:12,358,557, plus strand): 5'-GCATGCCGGGCTGGTGTCAGGGCTTCTCCCTGGATGGTGGTAGTGGTGTCCGAGCTTTGA[A>C]AGTCATCCAGCAAGGAAACCGCCCAGGGCTGATCTATAACATTGGTGGGTTACATTTGGG-3'
Protein context (NP_056193.2, residues 3356-3376): LDGGSGVRAL[Lys3366Thr]VIQQGNRPGL